The following is an entry in ClinVar:

ClinVar aggregate classification (germline): Uncertain significance (1 of 4 stars; one submission).

Allele frequency attached by ClinVar (database versions not stated): TOPMed below 0.00001.

Submission:

Labcorp Genetics (formerly Invitae), Labcorp
Classification: Uncertain significance. Last evaluated: 2021-11-22. Review status: criteria provided, single submitter. Criteria: Invitae Variant Classification Sherloc (09022015). Collection method: clinical testing. Allele origin: germline.
Comment: In summary, the available evidence is currently insufficient to determine the role of this variant in disease. Therefore, it has been classified as a Variant of Uncertain Significance. Advanced modeling of protein sequence and biophysical properties (such as structural, functional, and spatial information, amino acid conservation, physicochemical variation, residue mobility, and thermodynamic stability) performed at Invitae indicates that this missense variant is not expected to disrupt LRP2 protein function. This variant has not been reported in the literature in individuals affected with LRP2-related conditions. This variant is not present in population databases (gnomAD no frequency). This sequence change replaces valine, which is neutral and non-polar, with leucine, which is neutral and non-polar, at codon 1910 of the LRP2 protein (p.Val1910Leu).

NM_004525.3(LRP2):c.5728G>C (p.Val1910Leu)

Gene: LRP2 (LDL receptor related protein 2; minus strand). Cytogenetic location: 2q31.1.
Variant type: single nucleotide variant.
Coding change: c.5728G>C on transcript NM_004525.3 (MANE Select); coding-DNA position 5728, G replaced by C.
Protein change: p.Val1910Leu; replaces valine 1910 with leucine.
Molecular consequence: missense variant.
Genome position (GRCh38, 1-based): chr2:169,216,351, C>G on the plus strand (G>C on the coding strand, the complement: LRP2 is on the minus strand). VCF-style: chr2-169216351-C-G. GRCh37 (hg19) VCF-style: chr2-170072861-C-G.
Other names: short protein forms V1910L.
Identifiers: ClinVar variation 2123632 (VCV002123632.4), dbSNP rs1688794934, ClinGen allele CA349135897.
Genomic context (GRCh38, chr2:169,216,351, plus strand): 5'-CTTCGATGTCAAGAGTGACACACTCCAGGTGTTCGAGGTTCCCAGTAAAGAGAGTTTTCA[C>G]AGATGTGCCATCCATGTTAGCACTGGCGATCTTGGCAGGAACCCCACTGTCAGTTCCTTG-3'
Protein context (NP_004516.2, residues 1900-1920): IASANMDGTS[Val1910Leu]KTLFTGNLEH